The following is an entry in ClinVar:

NM_012431.3(SEMA3E):c.566C>T (p.Ala189Val)

Gene: SEMA3E (semaphorin 3E; minus strand). Cytogenetic location: 7q21.11.
Variant type: single nucleotide variant.
Coding change: c.566C>T on transcript NM_012431.3 (MANE Select); coding-DNA position 566, C replaced by T.
Protein change: p.Ala189Val; replaces alanine 189 with valine.
Molecular consequence: missense variant.
Genome position (GRCh38, 1-based): chr7:83,408,472, G>A on the plus strand (C>T on the coding strand, the complement: SEMA3E is on the minus strand). VCF-style: chr7-83408472-G-A. GRCh37 (hg19) VCF-style: chr7-83037788-G-A.
Other names: c.386C>T, p.Ala129Val (NM_001178129.2); short protein forms A129V, A189V.
Identifiers: ClinVar variation 1023292 (VCV001023292.8), dbSNP rs765052488, ClinGen allele CA4322287.

ClinVar aggregate classification (germline): Uncertain significance (1 of 4 stars; one submission).

Conditions:
CHARGE syndrome (CHARGE). Also called: Hittner Hirsch Kreh syndrome; Coloboma, heart anomaly, choanal atresia, retardation, genital and ear anomalies; CHARGE association; Hall-Hittner syndrome; CHARGE ASSOCIATION--COLOBOMA, HEART ANOMALY, CHOANAL ATRESIA, RETARDATION, GENITAL AND EAR ANOMALIES. Identifiers: Orphanet 138, MedGen C0265354, MONDO:0008965.

Allele frequency attached by ClinVar (database versions not stated): ExAC 0.00001; gnomAD exomes 0.00001; TOPMed 0.00001.
gnomAD v4.1: 3 of 1,613,680 alleles (0.00019%); highest among the groups gnomAD compares: Admixed American, 0.0017%; no homozygotes.

Submission:

Labcorp Genetics (formerly Invitae), Labcorp
Classification: Uncertain significance for CHARGE syndrome. Last evaluated: 2025-08-08. Review status: criteria provided, single submitter. Criteria: Invitae Variant Classification Sherloc (09022015). Collection method: clinical testing. Allele origin: germline.
Comment: This sequence change replaces alanine, which is neutral and non-polar, with valine, which is neutral and non-polar, at codon 189 of the SEMA3E protein (p.Ala189Val). This variant is present in population databases (rs765052488, gnomAD 0.003%). This variant has not been reported in the literature in individuals affected with SEMA3E-related conditions. ClinVar contains an entry for this variant (Variation ID: 1023292). Invitae Evidence Modeling of protein sequence and biophysical properties (such as structural, functional, and spatial information, amino acid conservation, physicochemical variation, residue mobility, and thermodynamic stability) indicates that this missense variant is not expected to disrupt SEMA3E protein function with a negative predictive value of 80%. In summary, the available evidence is currently insufficient to determine the role of this variant in disease. Therefore, it has been classified as a Variant of Uncertain Significance.